The following is an entry in ClinVar:

ClinVar aggregate classification (germline): Pathogenic. Review status: reviewed by expert panel (3 of 4 stars). 19 submissions from 19 submitters: Pathogenic (1). 18 of the submissions do not count toward it. Last evaluated 2023-08-30.

Conditions:
Ovarian cancer. Also called: OVARIAN CANCER, SOMATIC. Identifiers: Orphanet 213500, MedGen C1140680, MONDO:0008170, OMIM 167000.
Familial cancer of breast. Also called: hereditary breast carcinoma; BREAST CANCER, FAMILIAL; Hereditary breast cancer. Identifiers: Orphanet 227535, MedGen C0346153, MONDO:0016419, OMIM 114480. Disease mechanism: loss of function.
CDH1-related disorder. Also called: CDH1-related condition.
CDH1-related diffuse gastric and lobular breast cancer syndrome. Also called: CDH1-related diffuse gastric and lobular breast cancer. Identifiers: MedGen CN311521, MONDO:0100488.
Hereditary diffuse gastric adenocarcinoma (HDGC). Also called: DIFFUSE GASTRIC AND LOBULAR BREAST CANCER SYNDROME. Identifiers: Orphanet 26106, MedGen C1708349, MONDO:0007648, OMIM 137215.
Hereditary cancer-predisposing syndrome. Also called: Neoplastic Syndromes, Hereditary; Hereditary Cancer Syndrome; Tumor predisposition; Hereditary neoplastic syndrome. Identifiers: Orphanet 140162, MedGen C0027672, MeSH D009386, MONDO:0015356.
Hereditary breast ovarian cancer syndrome. Also called: Hereditary breast and ovarian cancer syndrome; Breast and ovarian cancer; BRCA1- and BRCA2-Associated Hereditary Breast and Ovarian Cancer; Hereditary breast and ovarian cancer; Hereditary breast and ovarian cancer syndrome (HBOC); Hereditary breast and/or ovarian cancer syndrome. Identifiers: Orphanet 145, MedGen C0677776, MeSH D061325, MONDO:0003582. Disease mechanism: loss of function.

Submissions 1 to 10 of 22:

Clingen Gastric Cancer Variant Curation Expert Panel
Classification: Pathogenic for CDH1-related diffuse gastric and lobular breast cancer syndrome. Last evaluated: 2023-08-30. Review status: reviewed by expert panel. Criteria: ClinGen CDH1 ACMG Specifications V3.1. Collection method: curation. Allele origin: germline. Inheritance: Autosomal dominant inheritance.
Comment: The c.1565+1G>A variant is a canonical splice variant predicted to result in a truncated or absent protein (PVS1_Strong). The variant is absent in the gnomAD cohort (PM2_Supporting). This variant has been reported in at least six families meeting HDGC clinical criteria (PS4; PMID: 26182300, SCV000149752.12 and internal laboratory contributor). This variant was also found to co-segregate with disease in multiple affected family members, with nine meioses observed across at least five families (PP1_Strong; SCV000149752.12 and internal laboratory contributor). The c.1565+1G>A allele was demonstrated to alter splicing through RNASeq analysis of mRNA from an affected carrier (PS3_Moderate; PMID: 31843900). In summary, this variant meets criteria to be classified as pathogenic based on the ACMG/AMP criteria applied as specified by the CDH1 Variant Curation Expert Panel (Variant Interpretation Guidelines Version 3.1): PVS1_Strong, PS4, PP1_Strong, PS3_Moderate, PM2_Supporting.

CeGaT Center for Human Genetics Tuebingen
Classification: Pathogenic. Last evaluated: 2026-09-01. Review status: criteria provided, single submitter. Criteria: CeGaT Center For Human Genetics Tuebingen Variant Classification Criteria Version 2. Collection method: clinical testing. Allele origin: germline. Affected: yes. Observed: 2 variant alleles. Not counted in ClinVar's aggregate classification.
Comment: CDH1: PVS1, PS4, PM2

German Consortium for Hereditary Breast and Ovarian Cancer, University Hospital Cologne
Classification: Pathogenic for Hereditary breast ovarian cancer syndrome. Last evaluated: 2026-05-22. Review status: criteria provided, single submitter. Criteria: ClinGen CDH1 V3.1.0. Collection method: curation. Allele origin: germline. Not counted in ClinVar's aggregate classification.
Comment: This classification follows the ClinGen ACMG CDH1 v3.1.0 classification scheme; We chose these criteria: PVS1 (strong pathogenic): Canonical splice site variant predicted to result in a truncated or absent protein., PS3 (medium pathogenic): Casadei (2019, PMID: 31843900): RNA assay demonstrating abnormal out-of-frame transcript (cryptic splice, ins 6bp, codon 523 stop), PS4 (strong pathogenic): > 4 families meeting HDGC criteria (e.g. Hansford (2015, PMID: 26182300)), PM2 (supporting pathogenic): absent from gnomAD v2/3/4, PM5 (supporting pathogenic): PM5_supporting is applicable to nonsense and frameshift variants that are predicted/proved to undergo NMD or located upstream of the last known pathogenic truncating variant. Site-specific recommendations for the application of PM5_Supporting for canonical splicing variants., PP1 (strong pathogenic): Co-segregate with disease in multiple affected family members, with nine meioses observed across at least five families (s. Clingen Gastric Cancer Variant Curation Expert Panel: Accession: SCV001943329.2)

Labcorp Genetics (formerly Invitae), Labcorp
Classification: Pathogenic for Hereditary diffuse gastric adenocarcinoma. Last evaluated: 2026-01-07. Review status: criteria provided, single submitter. Criteria: Invitae Variant Classification Sherloc (09022015). Collection method: clinical testing. Allele origin: germline. Not counted in ClinVar's aggregate classification.
Comment: This sequence change affects a donor splice site in intron 10 of the CDH1 gene. It is expected to disrupt RNA splicing. Variants that disrupt the donor or acceptor splice site typically lead to a loss of protein function (PMID: 16199547), and loss-of-function variants in CDH1 are known to be pathogenic (PMID: 15235021, 20373070). This variant is not present in population databases (gnomAD no frequency). Disruption of this splice site has been observed in individuals with breast cancer and diffuse gastric cancer (PMID: 18046629, 26182300, 27064202, 27153395). ClinVar contains an entry for this variant (Variation ID: 127915). Studies have shown that disruption of this splice site is associated with inconclusive levels of altered splicing (internal data). For these reasons, this variant has been classified as Pathogenic.

Molecular Pathology, Peter Maccallum Cancer Centre
Classification: Pathogenic for Hereditary diffuse gastric adenocarcinoma. Last evaluated: 2025-05-26. Review status: criteria provided, single submitter. Criteria: ACMG Guidelines, 2015. Collection method: clinical testing. Allele origin: germline. Inheritance: Autosomal dominant inheritance. Not counted in ClinVar's aggregate classification.

Blueprint Genetics
Classification: Pathogenic for CDH1-related disorders. Last evaluated: 2024-08-12. Review status: criteria provided, single submitter. Criteria: ACMG Guidelines, 2015. Collection method: clinical testing. Allele origin: germline. Affected: yes. Observed: 1 variant allele. Not counted in ClinVar's aggregate classification.

ARUP Laboratories, Molecular Genetics and Genomics, ARUP Laboratories
Classification: Pathogenic. Last evaluated: 2024-04-10. Review status: criteria provided, single submitter. Criteria: ARUP Molecular Germline Variant Investigation Process 2024. Collection method: clinical testing. Allele origin: germline. Not counted in ClinVar's aggregate classification.
Comment: The CHD1 c.1565+1G>A variant (rs587780113, ClinVar variation ID: 127915) is reported in the literature in numerous individuals affected with breast, gastric, or colorectal cancer (selected references: Adib 2022, Garcia-Pelaez 2023, Hansford 2015, Lo 2019, Schrader 2008). This variant is also absent from the Genome Aggregation Database (v2.1.1), indicating it is not a common polymorphism. RNAseq analysis of mRNA demonstrate altered splicing (Casadei 2019). This variant disrupts the canonical splice donor site of intron 10, which is likely to negatively impact gene function. Based on available information, this variant is considered to be pathogenic. References: Adib E et al. CDH1 germline variants are enriched in patients with colorectal cancer, gastric cancer, and breast cancer. Br J Cancer. 2022 Mar;126(5):797-803. PMID: 34949788. Casadei S et al. Characterization of splice-altering mutations in inherited predisposition to cancer. Proc Natl Acad Sci U S A. 2019 Dec 26;116(52):26798-26807. PMID: 31843900. Garcia-Pelaez J et al. Genotype-first approach to identify associations between CDH1 germline variants and cancer phenotypes: a multicentre study by the European Reference Network on Genetic Tumour Risk Syndromes. Lancet Oncol. 2023 Jan;24(1):91-106. PMID: 36436516. Hansford S et al. Hereditary Diffuse Gastric Cancer Syndrome: CDH1 Mutations and Beyond. JAMA Oncol. 2015 Apr;1(1):23-32. PMID: 26182300. Lo W et al. Associations of CDH1 germline variant location and cancer phenotype in families with hereditary diffuse gastric cancer (HDGC). J Med Genet. 2019 Jun;56(6):370-379. PMID: 30745422. Schrader KA et al. Hereditary diffuse gastric cancer: association with lobular breast cancer. Fam Cancer. 2008;7(1):73-82. PMID: 18046629.

Department of Pathology and Laboratory Medicine, Sinai Health System
Classification: Pathogenic for Familial cancer of breast; Ovarian cancer. Last evaluated: 2024-02-02. Review status: criteria provided, single submitter. Criteria: ACMG Guidelines, 2015. Collection method: clinical testing. Allele origin: germline. Affected: yes. Not counted in ClinVar's aggregate classification.

GeneDx
Classification: Pathogenic. Last evaluated: 2023-07-28. Review status: criteria provided, single submitter. Criteria: GeneDx Variant Classification Process June 2021. Collection method: clinical testing. Allele origin: germline. Affected: yes. Not counted in ClinVar's aggregate classification.
Comment: Canonical splice site variant in a gene for which loss-of-function is a known mechanism of disease; Observed in families with a history of cleft lip and palate in published literature (Green et al., 2022); Not observed in large population cohorts (gnomAD); This variant is associated with the following publications: (PMID: 20373070, 25525159, 24506336, 27064202, 18046629, 27153395, 25986922, 26182300, 30745422, 26681312, 31986421, 30641862, 36436516, 34949788, 36246616)

Baylor Genetics
Classification: Pathogenic for Familial cancer of breast. Last evaluated: 2023-06-07. Review status: criteria provided, single submitter. Criteria: ACMG Guidelines, 2015. Collection method: clinical testing. Allele origin: unknown. Not counted in ClinVar's aggregate classification.

NM_004360.5(CDH1):c.1565+1G>A

Gene: CDH1 (cadherin 1; plus strand). Cytogenetic location: 16q22.1.
Variant type: single nucleotide variant.
Coding change: c.1565+1G>A on transcript NM_004360.5 (MANE Select); the canonical splice donor site of the intron after coding-DNA position 1565, G replaced by A.
Molecular consequence: splice donor variant.
Genome position (GRCh38, 1-based): chr16:68,815,760, G>A. VCF-style: chr16-68815760-G-A. GRCh37 (hg19) VCF-style: chr16-68849663-G-A.
Other names: IVS10+1G>A; NM_004360.5:c.1565+1G>A; c.17+1G>A (NM_001317185.2); c.-255+1G>A (NM_001317186.2); c.1382+1G>A (NM_001317184.2).
Identifiers: ClinVar variation 127915 (VCV000127915.50), dbSNP rs587780113, ClinGen allele CA288040.